The following is an entry in ClinVar:

NM_006563.5(KLF1):c.1039G>A (p.Ala347Thr)

Genes: KLF1 (KLF transcription factor 1; minus strand), LOC117125591 (CRISPRi-FlowFISH-validated PRDX2 and RAD23A regulatory element; plus strand). Cytogenetic location: 19p13.13.
Variant type: single nucleotide variant.
Coding change: c.1039G>A on transcript NM_006563.5 (MANE Select); coding-DNA position 1039, G replaced by A.
Protein change: p.Ala347Thr; replaces alanine 347 with threonine.
Molecular consequence: missense variant.
Genome position (GRCh38, 1-based): chr19:12,884,935, C>T on the plus strand (G>A on the coding strand, the complement: KLF1 is on the minus strand). VCF-style: chr19-12884935-C-T. GRCh37 (hg19) VCF-style: chr19-12995749-C-T.
Other names: short protein forms A347T.
Identifiers: ClinVar variation 4765158 (VCV004765158.1).
Genomic context (GRCh38, chr19:12,884,935, plus strand): 5'-AGGGCAGGGCTCAAAGGTGGCGCTTCATGTGCAAGGCCAGGTGGTCAGAGCGCGAAAAAG[C>T]ACGTGGGCAGAGCTGGCAGCGGAAGGGGCGCTGCCCCGTGTGTTTCCGGTAGTGGCGGGT-3'
Protein context (NP_006554.1, residues 337-357): RPFRCQLCPR[Ala347Thr]FSRSDHLALH

ClinVar aggregate classification (germline): Uncertain significance (1 of 4 stars; one submission).

gnomAD v4.1: 3 of 1,613,822 alleles (0.00019%); highest among the groups gnomAD compares: Non-Finnish European, 0.00025%; no homozygotes.

Submission:

Labcorp Genetics (formerly Invitae), Labcorp
Classification: Uncertain significance. Last evaluated: 2025-08-19. Review status: criteria provided, single submitter. Criteria: Invitae Variant Classification Sherloc (09022015). Collection method: clinical testing. Allele origin: germline.
Comment: This sequence change replaces alanine, which is neutral and non-polar, with threonine, which is neutral and polar, at codon 347 of the KLF1 protein (p.Ala347Thr). This variant is not present in population databases (gnomAD no frequency). This variant has not been reported in the literature in individuals affected with KLF1-related conditions. Invitae Evidence Modeling of protein sequence and biophysical properties (such as structural, functional, and spatial information, amino acid conservation, physicochemical variation, residue mobility, and thermodynamic stability) indicates that this missense variant is expected to disrupt KLF1 protein function with a positive predictive value of 80%. In summary, the available evidence is currently insufficient to determine the role of this variant in disease. Therefore, it has been classified as a Variant of Uncertain Significance.